The following is an entry in ClinVar:

NM_021625.5(TRPV4):c.2432C>T (p.Ser811Leu)

Gene: TRPV4 (transient receptor potential cation channel subfamily V member 4; minus strand). Cytogenetic location: 12q24.11.
Variant type: single nucleotide variant.
Coding change: c.2432C>T on transcript NM_021625.5 (MANE Select); coding-DNA position 2432, C replaced by T.
Protein change: p.Ser811Leu; replaces serine 811 with leucine.
Molecular consequence: missense variant.
Genome position (GRCh38, 1-based): chr12:109,784,342, G>A on the plus strand (C>T on the coding strand, the complement: TRPV4 is on the minus strand). VCF-style: chr12-109784342-G-A. GRCh37 (hg19) VCF-style: chr12-110222147-G-A.
Other names: c.2291C>T, p.Ser764Leu (NM_001177428.2); c.2330C>T, p.Ser777Leu (NM_001177431.2); c.2111C>T, p.Ser704Leu (NM_001177433.2); c.2252C>T, p.Ser751Leu (NM_147204.3); short protein forms S811L, S704L, S751L, S777L, S764L.
Identifiers: ClinVar variation 568872 (VCV000568872.8), dbSNP rs756076344, ClinGen allele CA6779929.

ClinVar aggregate classification (germline): Uncertain significance (1 of 4 stars; one submission).

Conditions:
Charcot-Marie-Tooth disease axonal type 2C (HMSN2C). Also called: Charcot-Marie-Tooth Disease Type 2, TRPV4-Related (CMT2C); CHARCOT-MARIE-TOOTH DISEASE, AXONAL, AUTOSOMAL DOMINANT, TYPE 2C; Charcot-Marie-Tooth Neuropathy Type 2C. Identifiers: Orphanet 99937, MedGen C1853710, MONDO:0011633, OMIM 606071.

Allele frequency attached by ClinVar (database versions not stated): gnomAD exomes below 0.00001 and 0.00001; gnomAD 0.00002; TOPMed 0.00002; ExAC 0.00007.
gnomAD v4.1: 14 of 1,614,056 alleles (0.00087%); highest among the groups gnomAD compares: East Asian, 0.0045%; no homozygotes.

Submission:

Labcorp Genetics (formerly Invitae), Labcorp
Classification: Uncertain significance for Charcot-Marie-Tooth disease axonal type 2C. Last evaluated: 2025-07-13. Review status: criteria provided, single submitter. Criteria: Invitae Variant Classification Sherloc (09022015). Collection method: clinical testing. Allele origin: germline.
Comment: This sequence change replaces serine, which is neutral and polar, with leucine, which is neutral and non-polar, at codon 811 of the TRPV4 protein (p.Ser811Leu). This variant is present in population databases (rs756076344, gnomAD 0.01%). This variant has not been reported in the literature in individuals affected with TRPV4-related conditions. ClinVar contains an entry for this variant (Variation ID: 568872). Invitae Evidence Modeling of protein sequence and biophysical properties (such as structural, functional, and spatial information, amino acid conservation, physicochemical variation, residue mobility, and thermodynamic stability) has been performed for this missense variant. However, the output from this modeling did not meet the statistical confidence thresholds required to predict the impact of this variant on TRPV4 protein function. In summary, the available evidence is currently insufficient to determine the role of this variant in disease. Therefore, it has been classified as a Variant of Uncertain Significance.